The following is an entry in ClinVar:

NM_006767.4(LZTR1):c.1713G>C (p.Glu571Asp)

Gene: LZTR1 (leucine zipper like post translational regulator 1; plus strand). Cytogenetic location: 22q11.21.
Variant type: single nucleotide variant.
Coding change: c.1713G>C on transcript NM_006767.4 (MANE Select); coding-DNA position 1713, G replaced by C.
Protein change: p.Glu571Asp; replaces glutamic acid 571 with aspartic acid.
Molecular consequence: missense variant.
Genome position (GRCh38, 1-based): chr22:20,994,655, G>C. VCF-style: chr22-20994655-G-C. GRCh37 (hg19) VCF-style: chr22-21348944-G-C.
Other names: short protein forms E571D.
Identifiers: ClinVar variation 4859380 (VCV004859380.1).

ClinVar aggregate classification (germline): Uncertain significance (1 of 4 stars; one submission).

Conditions:
Cardiovascular phenotype. Identifiers: MedGen CN230736.
Hereditary cancer-predisposing syndrome. Also called: Neoplastic Syndromes, Hereditary; Tumor predisposition; Hereditary Cancer Syndrome; Hereditary neoplastic syndrome. Identifiers: Orphanet 140162, MedGen C0027672, MeSH D009386, MONDO:0015356.

Submission:

Ambry Genetics
Classification: Uncertain significance for Cardiovascular phenotype; Hereditary cancer-predisposing syndrome. Last evaluated: 2026-04-13. Review status: criteria provided, single submitter. Criteria: Ambry Variant Classification Scheme 2023. Collection method: clinical testing. Allele origin: germline.
Comment: The p.E571D variant (also known as c.1713G>C), located in coding exon 15 of the LZTR1 gene, results from a G to C substitution at nucleotide position 1713. The glutamic acid at codon 571 is replaced by aspartic acid, an amino acid with highly similar properties. This amino acid position is conserved. In addition, this alteration is predicted to be tolerated by in silico analysis. Based on the available evidence, the clinical significance of this variant remains unclear.